The following is an entry in ClinVar:

NM_000051.4(ATM):c.3584A>G (p.Glu1195Gly)

Gene: ATM (ATM serine/threonine kinase; plus strand). Cytogenetic location: 11q22.3.
Variant type: single nucleotide variant.
Coding change: c.3584A>G on transcript NM_000051.4 (MANE Select); coding-DNA position 3584, A replaced by G.
Protein change: p.Glu1195Gly; replaces glutamic acid 1195 with glycine.
Molecular consequence: missense variant.
Genome position (GRCh38, 1-based): chr11:108,282,717, A>G. VCF-style: chr11-108282717-A-G. GRCh37 (hg19) VCF-style: chr11-108153444-A-G.
Other names: c.3584A>G, p.Glu1195Gly (NM_001351834.2); short protein forms E1195G.
Identifiers: ClinVar variation 481174 (VCV000481174.21), dbSNP rs1167713135, ClinGen allele CA382522484.

ClinVar aggregate classification (germline): Uncertain significance. Review status: criteria provided, multiple submitters, no conflicts (2 of 4 stars). 5 submissions from 5 submitters: Uncertain significance (4). 1 of the submissions does not count toward it. Last evaluated 2026-01-28.

Conditions:
Hereditary cancer-predisposing syndrome. Also called: Hereditary neoplastic syndrome; Neoplastic Syndromes, Hereditary; Tumor predisposition; Hereditary Cancer Syndrome. Identifiers: Orphanet 140162, MedGen C0027672, MeSH D009386, MONDO:0015356.
Ataxia-telangiectasia syndrome (AT). Also called: LOUIS-BAR SYNDROME; Cerebello-oculocutaneous telangiectasia; Immunodeficiency with ataxia telangiectasia; AT, COMPLEMENTATION GROUP C; Ataxia-telangiectasia, complementation group D; ATAXIA-TELANGIECTASIA, COMPLEMENTATION GROUP A. Identifiers: Orphanet 100, MedGen C0004135, MONDO:0008840, OMIM 208900.

Allele frequency attached by ClinVar (database versions not stated): TOPMed 0.00001.

Submissions (5):

Labcorp Genetics (formerly Invitae), Labcorp
Classification: Uncertain significance for Ataxia-telangiectasia syndrome. Last evaluated: 2026-01-28. Review status: criteria provided, single submitter. Criteria: Invitae Variant Classification Sherloc (09022015). Collection method: clinical testing. Allele origin: germline.
Comment: This sequence change replaces glutamic acid, which is acidic and polar, with glycine, which is neutral and non-polar, at codon 1195 of the ATM protein (p.Glu1195Gly). This variant is not present in population databases (gnomAD no frequency). This variant has not been reported in the literature in individuals affected with ATM-related conditions. ClinVar contains an entry for this variant (Variation ID: 481174). Invitae Evidence Modeling of protein sequence and biophysical properties (such as structural, functional, and spatial information, amino acid conservation, physicochemical variation, residue mobility, and thermodynamic stability) indicates that this missense variant is not expected to disrupt ATM protein function with a negative predictive value of 95%. In summary, the available evidence is currently insufficient to determine the role of this variant in disease. Therefore, it has been classified as a Variant of Uncertain Significance.

Ambry Genetics
Classification: Uncertain significance for Hereditary cancer-predisposing syndrome. Last evaluated: 2025-10-15. Review status: criteria provided, single submitter. Criteria: Ambry Variant Classification Scheme 2023. Collection method: clinical testing. Allele origin: germline.
Comment: The p.E1195G variant (also known as c.3584A>G), located in coding exon 24 of the ATM gene, results from an A to G substitution at nucleotide position 3584. The glutamic acid at codon 1195 is replaced by glycine, an amino acid with similar properties. This amino acid position is poorly conserved in available vertebrate species. In addition, this alteration is predicted to be tolerated by in silico analysis. Based on the available evidence, the clinical significance of this variant remains unclear.

Color Diagnostics, LLC DBA Color Health
Classification: Uncertain significance for Hereditary cancer-predisposing syndrome. Last evaluated: 2025-09-18. Review status: criteria provided, single submitter. Criteria: ACMG Guidelines, 2015. Collection method: clinical testing. Allele origin: germline.
Comment: This missense variant replaces glutamic acid with glycine at codon 1195 of the ATM protein. Computational prediction suggests that this variant may not impact protein structure and function. To our knowledge, functional studies have not been reported for this variant. This variant has not been reported in individuals affected with ATM-related disorders in the literature. This variant has not been identified in the general population by the Genome Aggregation Database (gnomAD). The available evidence is insufficient to determine the role of this variant in disease conclusively. Therefore, this variant is classified as a Variant of Uncertain Significance.

GeneDx
Classification: Uncertain significance. Last evaluated: 2023-12-20. Review status: criteria provided, single submitter. Criteria: GeneDx Variant Classification Process June 2021. Collection method: clinical testing. Allele origin: germline. Affected: yes.
Comment: Not observed at significant frequency in large population cohorts (gnomAD); In silico analysis supports that this missense variant does not alter protein structure/function; Has not been previously published as pathogenic or benign to our knowledge; This variant is associated with the following publications: (PMID: 19781682)

Natera, Inc.
Classification: Uncertain significance for Ataxia-telangiectasia. Last evaluated: 2021-10-01. Review status: no assertion criteria provided. Collection method: clinical testing. Allele origin: germline. Not counted in ClinVar's aggregate classification.